The following is an entry in ClinVar:

ClinVar aggregate classification (germline): Likely benign. Review status: criteria provided, single submitter (1 of 4 stars). 2 submissions from 2 submitters: Likely benign (1). 1 of the submissions does not count toward it. Last evaluated 2026-09-21.

Conditions:
LMNA-related disorder. Also called: LMNA-related condition; LMNA-related disease; LMNA-related disorders. Identifiers: MedGen CN380145.

gnomAD v4.1: 16 of 1,607,792 alleles (0.001%); highest among the groups gnomAD compares: East Asian, 0.031%; no homozygotes.

Submissions (2):

Molecular Diagnostic Laboratory for Inherited Cardiovascular Disease, Montreal Heart Institute
Classification: Likely benign. Last evaluated: 2026-09-21. Review status: criteria provided, single submitter. Criteria: ACMG Guidelines, 2015. Collection method: clinical testing. Allele origin: germline. Affected: no.
Comment: BS1

PreventionGenetics, part of Exact Sciences
Classification: Likely benign for LMNA-related condition. Last evaluated: 2024-05-22. Review status: no assertion criteria provided. Collection method: clinical testing. Allele origin: germline. Not counted in ClinVar's aggregate classification.
Comment: This variant is classified as likely benign based on ACMG/AMP sequence variant interpretation guidelines (Richards et al. 2015 PMID: 25741868, with internal and published modifications).

NM_170707.4(LMNA):c.357-3820A>T

Gene: LMNA (lamin A/C; plus strand). Cytogenetic location: 1q22.
Variant type: single nucleotide variant.
Coding change: c.357-3820A>T on transcript NM_170707.4 (MANE Select); 3820 bases into the intron before coding-DNA position 357, A replaced by T.
Molecular consequence: intron variant. On other transcripts: 5 prime UTR variant (5).
Genome position (GRCh38, 1-based): chr1:156,126,797, A>T. VCF-style: chr1-156126797-A-T. GRCh37 (hg19) VCF-style: chr1-156096588-A-T.
Other names: c.-6A>T (NM_001282624.2, NM_001406986.1, NM_001406987.1); c.-355A>T (NM_001406996.1); c.-427A>T (NM_001406999.1); c.357-3820A>T (NM_001406983.1, NM_001282625.2, NM_001406984.1 and 7 more transcripts); c.-45-7606A>T (NM_001407002.1, NM_001406995.1, NM_001406990.1); c.-202-3820A>T (NM_001406993.1, NM_001407003.1); c.-308-3820A>T (NM_001407000.1, NM_001406994.1); c.-151-7606A>T (NM_001407001.1); and 3 more.
Identifiers: ClinVar variation 3349147 (VCV003349147.2), dbSNP rs556985558.
Genomic context (GRCh38, chr1:156,126,797, plus strand): 5'-TTTGCCAGTGATGGGAAGAGTTAGAAACAGGATGCCCAGCCCTTCTCGCCTCAAGAGGCC[A>T]CTGGGATGCAGCCACTCCTGTGCTTGGGGAACCTGGAGGATGCAAGGGAAAGGACTGGCA-3'